The following is an entry in ClinVar:

ClinVar aggregate classification (germline): Likely benign (1 of 4 stars; one submission).

Submission:

CeGaT Center for Human Genetics Tuebingen
Classification: Likely benign. Last evaluated: 2025-02-01. Review status: criteria provided, single submitter. Criteria: CeGaT Center For Human Genetics Tuebingen Variant Classification Criteria Version 2. Collection method: clinical testing. Allele origin: germline. Affected: yes. Observed: 3 variant alleles.
Comment: SLX4: BP4, BP7

NM_032444.4(SLX4):c.1407A>C (p.Pro469=)

Gene: SLX4 (SLX4 structure-specific endonuclease subunit; minus strand). Cytogenetic location: 16p13.3.
Variant type: single nucleotide variant.
Coding change: c.1407A>C on transcript NM_032444.4 (MANE Select); coding-DNA position 1407, A replaced by C.
Protein change: p.Pro469=; no amino-acid change (proline 469 retained).
Molecular consequence: synonymous variant.
Genome position (GRCh38, 1-based): chr16:3,597,655, T>G on the plus strand (A>C on the coding strand, the complement: SLX4 is on the minus strand). VCF-style: chr16-3597655-T-G. GRCh37 (hg19) VCF-style: chr16-3647656-T-G.
Identifiers: ClinVar variation 2672611 (VCV002672611.23), dbSNP rs1567174102, ClinGen allele CA493392458.
Genomic context (GRCh38, chr16:3,597,655, plus strand): 5'-CAGGGCCACACGGTCCTCTATCTGTCGGCCTGTGGTTTCAGAGTCCTGGACTAACAACAA[T>G]GGGGGGGATACCGGGGGTTTCTTCTTGCGACTTTTATTCTCTAGAGAGAAACAAAAGCGA-3'
Protein context (NP_115820.2, residues 459-479): SRKKKPPVSP[Pro469=]LLLVQDSETT